The following is an entry in ClinVar:

ClinVar aggregate classification (germline): Benign/Likely benign. Review status: criteria provided, multiple submitters, no conflicts (2 of 4 stars). 11 submissions from 9 submitters: Benign (7); Likely benign (4). Last evaluated 2026-02-04.

Conditions:
Idiopathic Pulmonary Fibrosis. Also called: Idiopathic fibrosing alveolitis, chronic form; idiopathic fibrosing alveolitis. Identifiers: Orphanet 2032, MedGen C1800706, MeSH D054990, MONDO:0800504.
Dyskeratosis congenita, autosomal dominant 2. Identifiers: MedGen C3151443, MONDO:0013521, OMIM 613989.
Pulmonary fibrosis and/or bone marrow failure, Telomere-related, 1. Also called: PULMONARY FIBROSIS AND/OR BONE MARROW FAILURE SYNDROME, TELOMERE-RELATED, 1. Identifiers: Orphanet 88, MedGen C3553617, MONDO:0013878, OMIM 614742.
Melanoma, cutaneous malignant, susceptibility to, 9. Also called: Cutaneous malignant melanoma 9. Identifiers: Orphanet 618, MedGen C3554574, MONDO:0014056, OMIM 615134.
Dyskeratosis congenita. Identifiers: Orphanet 1775, MedGen C0265965, MONDO:0015780.
Aplastic anemia. Identifiers: Orphanet 182040, Orphanet 88, MedGen C0002874, MONDO:0015909, OMIM 609135, HP:0001915.

Allele frequency attached by ClinVar (database versions not stated): ESP Exome Variant Server 0.00008; gnomAD 0.00029 and 0.00043; gnomAD exomes 0.00030 and 0.00099; TOPMed 0.00045; ExAC 0.00095; 1000 Genomes Project 30x 0.00141; 1000 Genomes Project 0.00160.

Submissions (11):

Labcorp Genetics (formerly Invitae), Labcorp
Classification: Benign for Dyskeratosis congenita, autosomal dominant 2; Idiopathic Pulmonary Fibrosis. Last evaluated: 2026-02-04. Review status: criteria provided, single submitter. Criteria: Invitae Variant Classification Sherloc (09022015). Collection method: clinical testing. Allele origin: germline.

CeGaT Center for Human Genetics Tuebingen
Classification: Likely benign. Last evaluated: 2025-10-01. Review status: criteria provided, single submitter. Criteria: CeGaT Center For Human Genetics Tuebingen Variant Classification Criteria Version 2. Collection method: clinical testing. Allele origin: germline. Affected: yes. Observed: 2 variant alleles.
Comment: TERT: BP4, BP7

ARUP Laboratories, Molecular Genetics and Genomics, ARUP Laboratories
Classification: Benign. Last evaluated: 2025-06-06. Review status: criteria provided, single submitter. Criteria: ARUP Molecular Germline Variant Investigation Process 2024. Collection method: clinical testing. Allele origin: germline.

KCCC/NGS Laboratory, Kuwait Cancer Control Center
Classification: Benign for Melanoma, cutaneous malignant, susceptibility to, 9. Last evaluated: 2025-02-01. Review status: criteria provided, single submitter. Criteria: ACMG Guidelines, 2015. Collection method: clinical testing. Allele origin: germline. Affected: no.

Blueprint Genetics
Classification: Likely benign. Last evaluated: 2024-08-11. Review status: criteria provided, single submitter. Criteria: ACMG Guidelines, 2015. Collection method: clinical testing. Allele origin: germline.

Ambry Genetics
Classification: Likely benign for Dyskeratosis congenita. Last evaluated: 2022-02-12. Review status: criteria provided, single submitter. Criteria: Ambry Variant Classification Scheme 2023. Collection method: clinical testing. Allele origin: germline.

Genetic Services Laboratory, University of Chicago
Classification: Benign. Last evaluated: 2018-03-07. Review status: criteria provided, single submitter. Criteria: ACMG Guidelines, 2015. Collection method: clinical testing. Allele origin: germline. Affected: no.

Illumina Laboratory Services, Illumina
Classification: Benign for Pulmonary fibrosis and/or bone marrow failure, Telomere-related, 1. Last evaluated: 2018-01-13. Review status: criteria provided, single submitter. Criteria: ICSL Variant Classification Criteria 13 December 2019. Collection method: clinical testing. Allele origin: germline.
Comment: This variant was observed in the ICSL laboratory as part of a predisposition screen in an ostensibly healthy population. It had not been previously curated by ICSL or reported in the Human Gene Mutation Database (HGMD: prior to June 1st, 2018), and was therefore a candidate for classification through an automated scoring system. Utilizing variant allele frequency, disease prevalence and penetrance estimates, and inheritance mode, an automated score was calculated to assess if this variant is too frequent to cause the disease. Based on the score and internal cut-off values, a variant classified as benign is not then subjected to further curation. The score for this variant resulted in a classification of benign for this disease.

Illumina Laboratory Services, Illumina
Classification: Benign for Aplastic anemia. Last evaluated: 2018-01-13. Review status: criteria provided, single submitter. Criteria: ICSL Variant Classification Criteria 13 December 2019. Collection method: clinical testing. Allele origin: germline.
Comment: the same text as in the submission from Illumina Laboratory Services, Illumina above.

Illumina Laboratory Services, Illumina
Classification: Benign for Dyskeratosis congenita, autosomal dominant 2. Last evaluated: 2018-01-13. Review status: criteria provided, single submitter. Criteria: ICSL Variant Classification Criteria 13 December 2019. Collection method: clinical testing. Allele origin: germline.
Comment: the same text as in the submission from Illumina Laboratory Services, Illumina above.

PreventionGenetics, part of Exact Sciences
Classification: Likely benign. Review status: criteria provided, single submitter. Criteria: ACMG Guidelines, 2015. Collection method: clinical testing. Allele origin: germline.

NM_198253.3(TERT):c.2520G>A (p.Leu840=)

Gene: TERT (telomerase reverse transcriptase; minus strand). Cytogenetic location: 5p15.33.
Variant type: single nucleotide variant.
Coding change: c.2520G>A on transcript NM_198253.3 (MANE Select); coding-DNA position 2520, G replaced by A.
Protein change: p.Leu840=; no amino-acid change (leucine 840 retained).
Molecular consequence: synonymous variant. On other transcripts: non-coding transcript variant (2).
Genome position (GRCh38, 1-based): chr5:1,268,582, C>T on the plus strand (G>A on the coding strand, the complement: TERT is on the minus strand). VCF-style: chr5-1268582-C-T. GRCh37 (hg19) VCF-style: chr5-1268697-C-T.
Other names: c.2520G>A, p.Leu840= (NM_001193376.3).
Identifiers: ClinVar variation 263108 (VCV000263108.39), dbSNP rs144310369, ClinGen allele CA3184470.